The following is an entry in ClinVar:

NM_001848.3(COL6A1):c.1443G>A (p.Glu481=)

Gene: COL6A1 (collagen type VI alpha 1 chain; plus strand). Cytogenetic location: 21q22.3.
Variant type: single nucleotide variant.
Coding change: c.1443G>A on transcript NM_001848.3 (MANE Select); coding-DNA position 1443, G replaced by A.
Protein change: p.Glu481=; no amino-acid change (glutamic acid 481 retained).
Molecular consequence: synonymous variant.
Genome position (GRCh38, 1-based): chr21:45,997,465, G>A. VCF-style: chr21-45997465-G-A. GRCh37 (hg19) VCF-style: chr21-47417379-G-A.
Other names: p.Glu481=.
Identifiers: ClinVar variation 93814 (VCV000093814.25), dbSNP rs80244281, ClinGen allele CA147324.

ClinVar aggregate classification (germline): Benign/Likely benign. Review status: criteria provided, multiple submitters, no conflicts (2 of 4 stars). 7 submissions from 7 submitters: Benign (4); Likely benign (2). 1 of the submissions does not count toward it. Last evaluated 2026-01-28.

Conditions:
Collagen 6-related myopathy. Identifiers: MedGen CN117976, MONDO:0100225.
Bethlem myopathy 1A. Also called: Bethlem myopathy 1; Bethlem Muscular Dystrophy; MYOPATHY, BENIGN CONGENITAL, WITH CONTRACTURES. Identifiers: Orphanet 610, MedGen CN029274, MONDO:0024530, OMIM 158810.

Allele frequency attached by ClinVar (database versions not stated): ExAC 0.00412; gnomAD 0.01378 and 0.01279; TOPMed 0.01385; gnomAD exomes 0.00119 and 0.00330; 1000 Genomes Project 0.01218; 1000 Genomes Project 30x 0.01312; ESP Exome Variant Server 0.01422.
gnomAD v4.1: 3,753 of 1,612,222 alleles (0.23%); highest among the groups gnomAD compares: African/African-American, 4.4%; 70 homozygotes.

Submissions (7):

Labcorp Genetics (formerly Invitae), Labcorp
Classification: Benign for Bethlem myopathy 1A. Last evaluated: 2026-01-28. Review status: criteria provided, single submitter. Criteria: Invitae Variant Classification Sherloc (09022015). Collection method: clinical testing. Allele origin: germline.

Mayo Clinic Laboratories, Mayo Clinic
Classification: Benign. Last evaluated: 2019-03-07. Review status: criteria provided, single submitter. Criteria: ACMG Guidelines, 2015. Collection method: clinical testing. Allele origin: germline. Observed: 8 variant alleles.

Illumina Laboratory Services, Illumina
Classification: Likely benign for Collagen VI-related myopathy. Last evaluated: 2017-04-27. Review status: criteria provided, single submitter. Criteria: ICSL Variant Classification Criteria 13 December 2019. Collection method: clinical testing. Allele origin: germline.
Comment: This variant was observed as part of a predisposition screen in an ostensibly healthy population. A literature search was performed for the gene, cDNA change, and amino acid change (where applicable). No publications were found based on this search. Allele frequency data from public databases allowed determination this variant is unlikely to cause disease. Therefore, this variant is classified as likely benign.

GeneDx
Classification: Benign. Last evaluated: 2016-08-02. Review status: criteria provided, single submitter. Criteria: GeneDx Variant Classification (06012015). Collection method: clinical testing. Allele origin: germline. Affected: yes.
Comment: This variant is considered likely benign or benign based on one or more of the following criteria: it is a conservative change, it occurs at a poorly conserved position in the protein, it is predicted to be benign by multiple in silico algorithms, and/or has population frequency not consistent with disease.

Eurofins Ntd Llc (ga)
Classification: Benign. Last evaluated: 2012-07-17. Review status: criteria provided, single submitter. Criteria: EGL Classification Definitions 2015. Collection method: clinical testing. Allele origin: germline. Observed: 2 variant alleles, 2 heterozygotes.

Breakthrough Genomics
Classification: Likely benign. Review status: criteria provided, single submitter. Criteria: ACMG Guidelines, 2015. Collection method: not provided. Allele origin: germline. Inheritance: Autosomal recessive inheritance. Affected: yes.

Genetic Services Laboratory, University of Chicago
Classification: Likely benign for AllHighlyPenetrant. Review status: no assertion criteria provided. Collection method: clinical testing. Allele origin: germline. Not counted in ClinVar's aggregate classification.
Comment: Likely benign based on allele frequency in 1000 Genomes Project or ESP global frequency and its presence in a patient with a rare or unrelated disease phenotype. NOT Sanger confirmed.